The following is an entry in ClinVar:

NM_006907.4(PYCR1):c.386_387insCGCA (p.Glu130fs)

Gene: PYCR1 (pyrroline-5-carboxylate reductase 1; minus strand). Cytogenetic location: 17q25.3.
Variant type: Insertion.
Coding change: c.386_387insCGCA on transcript NM_006907.4 (MANE Select); coding-DNA positions 386 to 387, CGCA inserted.
Protein change: p.Glu130fs; shifts the reading frame from glutamic acid 130.
Molecular consequence: frameshift variant.
Genome position: GRCh38 VCF-style: chr17-81935079-C-CTGCG. GRCh37 (hg19) VCF-style: chr17-79892955-C-CTGCG.
Other names: c.386_387insCGCA, p.Glu130fs (NM_001282279.2, NM_001282280.2, NM_001330523.2 and 1 more transcripts); c.467_468insCGCA, p.Glu157fs (NM_001282281.2); short protein forms E130fs, E157fs.
Identifiers: ClinVar variation 2572601 (VCV002572601.2), dbSNP rs2041140122, ClinGen allele CA2278749854.

ClinVar aggregate classification (germline): Likely pathogenic. Review status: criteria provided, multiple submitters, no conflicts (2 of 4 stars). 2 submissions from 2 submitters: Likely pathogenic (2). Last evaluated 2024-05-03.

Conditions:
Autosomal recessive cutis laxa type 2B (ARCL2B). Also called: CUTIS LAXA, AUTOSOMAL RECESSIVE, TYPE IIB; CUTIS LAXA WITH PROGEROID FEATURES. Identifiers: Orphanet 357064, MedGen C2751987, MONDO:0013051, OMIM 612940. Disease mechanism: loss of function.
PYCR1-related de Barsy syndrome. Also called: CUTIS LAXA, AUTOSOMAL RECESSIVE, TYPE IIIB; DE BARSY SYNDROME B. Identifiers: Orphanet 293633, Orphanet 2962, MedGen C3280799, MONDO:0013755, OMIM 614438.

Allele frequency attached by ClinVar (database versions not stated): TOPMed below 0.00001.

Submissions (2):

Fulgent Genetics
Classification: Likely pathogenic for Autosomal recessive cutis laxa type 2B; PYCR1-related de Barsy syndrome. Last evaluated: 2024-05-03. Review status: criteria provided, single submitter. Criteria: ACMG Guidelines, 2015. Collection method: clinical testing. Allele origin: germline.

3billion
Classification: Likely pathogenic for PYCR1-related de Barsy syndrome. Review status: criteria provided, single submitter. Criteria: ACMG Guidelines, 2015. Collection method: clinical testing. Allele origin: unknown. Affected: yes. Observed: 1 heterozygote.
Comment: The variant is not observed in the gnomAD v2.1.1 dataset. This frameshift variant is predicted to result in a loss or disruption of normal protein function through nonsense-mediated decay (NMD) or protein truncation. Multiple pathogenic variants are reported downstream of the variant. Therefore, this variant is classified as likely pathogenic according to the recommendation of ACMG/AMP guideline.